The following is an entry in ClinVar:

NM_005188.4(CBL):c.1850G>T (p.Arg617Leu)

Gene: CBL (Cbl proto-oncogene; plus strand). Cytogenetic location: 11q23.3.
Variant type: single nucleotide variant.
Coding change: c.1850G>T on transcript NM_005188.4 (MANE Select); coding-DNA position 1850, G replaced by T.
Protein change: p.Arg617Leu; replaces arginine 617 with leucine.
Molecular consequence: missense variant.
Genome position (GRCh38, 1-based): chr11:119,285,475, G>T. VCF-style: chr11-119285475-G-T. GRCh37 (hg19) VCF-style: chr11-119156185-G-T.
Other names: short protein forms R617L.
Identifiers: ClinVar variation 372851 (VCV000372851.10), dbSNP rs780457588, ClinGen allele CA6318617.

ClinVar aggregate classification (germline): Uncertain significance. Review status: criteria provided, multiple submitters, no conflicts (2 of 4 stars). 6 submissions from 6 submitters: Uncertain significance (6). Last evaluated 2025-12-02.

Conditions:
RASopathy. Also called: rasopathies; Noonan spectrum disorder. Identifiers: Orphanet 536391, MedGen C5555857, MONDO:0021060.
Cardiovascular phenotype. Identifiers: MedGen CN230736.
Juvenile myelomonocytic leukemia (JMML). Also called: LEUKEMIA, JUVENILE MYELOMONOCYTIC, SOMATIC. Identifiers: Orphanet 86834, MedGen C0349639, MONDO:0011908, OMIM 607785, HP:0012209.
CBL-related disorder. Also called: CBL MUTATION-ASSOCIATED SYNDROME; CBL SYNDROME; NOONAN SYNDROME-LIKE DISORDER WITHOUT JUVENILE MYELOMONOCYTIC LEUKEMIA. Identifiers: Orphanet 363972, MedGen C3150803, MONDO:0013308, OMIM 613563.

Allele frequency attached by ClinVar (database versions not stated): ExAC 0.00001; TOPMed 0.00003.
gnomAD v4.1: 27 of 1,613,944 alleles (0.0017%); highest among the groups gnomAD compares: Non-Finnish European, 0.0023%; no homozygotes.

Submissions (6):

Ambry Genetics
Classification: Uncertain significance for Cardiovascular phenotype. Last evaluated: 2025-12-02. Review status: criteria provided, single submitter. Criteria: Ambry Variant Classification Scheme 2023. Collection method: clinical testing. Allele origin: germline.
Comment: The p.R617L variant (also known as c.1850G>T), located in coding exon 11 of the CBL gene, results from a G to T substitution at nucleotide position 1850. The arginine at codon 617 is replaced by leucine, an amino acid with dissimilar properties. This amino acid position is highly conserved in available vertebrate species. In addition, this alteration is predicted to be deleterious by in silico analysis. Based on the available evidence, the clinical significance of this variant remains unclear.

Labcorp Genetics (formerly Invitae), Labcorp
Classification: Uncertain significance for RASopathy. Last evaluated: 2025-11-08. Review status: criteria provided, single submitter. Criteria: Invitae Variant Classification Sherloc (09022015). Collection method: clinical testing. Allele origin: germline.
Comment: This sequence change replaces arginine, which is basic and polar, with leucine, which is neutral and non-polar, at codon 617 of the CBL protein (p.Arg617Leu). This variant is present in population databases (rs780457588, gnomAD 0.002%). This variant has not been reported in the literature in individuals affected with CBL-related conditions. ClinVar contains an entry for this variant (Variation ID: 372851). Invitae Evidence Modeling of protein sequence and biophysical properties (such as structural, functional, and spatial information, amino acid conservation, physicochemical variation, residue mobility, and thermodynamic stability) indicates that this missense variant is not expected to disrupt CBL protein function with a negative predictive value of 95%. In summary, the available evidence is currently insufficient to determine the role of this variant in disease. Therefore, it has been classified as a Variant of Uncertain Significance.

Women's Health and Genetics/Laboratory Corporation of America, LabCorp
Classification: Uncertain significance. Last evaluated: 2024-08-22. Review status: criteria provided, single submitter. Criteria: LabCorp Variant Classification Summary - May 2015. Collection method: clinical testing. Allele origin: germline.
Comment: Variant summary: CBL c.1850G>T (p.Arg617Leu) results in a non-conservative amino acid change in the encoded protein sequence. Four of five in-silico tools predict a damaging effect of the variant on protein function. The variant allele was found at a frequency of 1.2e-05 in 251372 control chromosomes. The available data on variant occurrences in the general population are insufficient to allow any conclusion about variant significance. To our knowledge, no occurrence of c.1850G>T in individuals affected with Noonan Syndrome And Related Conditions and no experimental evidence demonstrating its impact on protein function have been reported. ClinVar contains an entry for this variant (Variation ID: 372851). Based on the evidence outlined above, the variant was classified as uncertain significance.

Blueprint Genetics
Classification: Uncertain significance. Last evaluated: 2022-07-22. Review status: criteria provided, single submitter. Criteria: ACMG Guidelines, 2015. Collection method: clinical testing. Allele origin: germline.

Fulgent Genetics
Classification: Uncertain significance for Juvenile myelomonocytic leukemia; CBL-related disorder. Last evaluated: 2021-08-04. Review status: criteria provided, single submitter. Criteria: ACMG Guidelines, 2015. Collection method: clinical testing. Allele origin: unknown.

GeneDx
Classification: Uncertain significance. Last evaluated: 2015-12-28. Review status: criteria provided, single submitter. Criteria: GeneDx Variant Classification (06012015). Collection method: clinical testing. Allele origin: germline. Affected: yes.
Comment: The R617L variant has not been published as a pathogenic variant, nor has it been reported as a benign variant to our knowledge. R617L was not observed in approximately 6,500 individuals of European and African American ancestry in the NHLBI Exome Sequencing Project, indicating it is not a common benign variant in these populations. The R617L variant is a non-conservative amino acid substitution, which is likely to impact secondary protein structure as these residues differ in polarity, charge, size and/or other properties. This substitution occurs at a position that is conserved across species, and in silico analysis predicts this variant is probably damaging to the protein structure/function. Therefore, based on the currently available information, it is unclear whether this variant is a pathogenic variant or a rare benign variant.